The following is an entry in ClinVar:

ClinVar aggregate classification (germline): Uncertain significance (1 of 4 stars; one submission).

Submission:

Women's Health and Genetics/Laboratory Corporation of America, LabCorp
Classification: Uncertain significance. Last evaluated: 2025-09-11. Review status: criteria provided, single submitter. Criteria: LabCorp Variant Classification Summary - May 2015. Collection method: clinical testing. Allele origin: germline.
Comment: Variant summary: ASXL3 c.6716A>G (p.Lys2239Arg) results in a conservative amino acid change located in the PHD domain (IPR026905) of the encoded protein sequence. Algorithms developed to predict the effect of missense changes on protein structure and function are either unavailable or do not agree on the potential impact of this missense change. The variant was absent in 244748 control chromosomes. The available data on variant occurrences in the general population are insufficient to allow any conclusion about variant significance. To our knowledge, no occurrence of c.6716A>G in individuals affected with ASXL3-related conditions and no experimental evidence demonstrating its impact on protein function have been reported. No submitters have cited clinical-significance assessments for this variant to ClinVar. Based on the evidence outlined above, the variant was classified as uncertain significance.

NM_030632.3(ASXL3):c.6716A>G (p.Lys2239Arg)

Gene: ASXL3 (ASXL transcriptional regulator 3; plus strand). Cytogenetic location: 18q12.1.
Variant type: single nucleotide variant.
Coding change: c.6716A>G on transcript NM_030632.3 (MANE Select); coding-DNA position 6716, A replaced by G.
Protein change: p.Lys2239Arg; replaces lysine 2239 with arginine.
Molecular consequence: missense variant.
Genome position (GRCh38, 1-based): chr18:33,746,564, A>G. VCF-style: chr18-33746564-A-G. GRCh37 (hg19) VCF-style: chr18-31326528-A-G.
Other names: short protein forms K2239R.
Identifiers: ClinVar variation 4535588 (VCV004535588.1).